The following is an entry in ClinVar:

ClinVar aggregate classification (germline): Likely benign. Review status: reviewed by expert panel (3 of 4 stars). 2 submissions from 2 submitters: Likely benign (1). 1 of the submissions does not count toward it. Last evaluated 2026-10-23.

Conditions:
Alexander disease (ALXDRD). Also called: Alexander's disease. Identifiers: Orphanet 58, MedGen C0270726, MONDO:0008752, OMIM 203450.

Allele frequency attached by ClinVar (database versions not stated): TOPMed below 0.00001; gnomAD exomes 0.00001; ExAC 0.00002.
gnomAD v4.1: 4 of 1,591,800 alleles (0.00025%); highest among the groups gnomAD compares: Admixed American, 0.007%; no homozygotes.

Submissions (2):

ClinGen Leukodystrophy and Leukoencephalopathy Variant Curation Expert Panel, ClinGen
Classification: Likely benign for Alexander disease. Last evaluated: 2026-10-23. Review status: reviewed by expert panel. Criteria: ClinGen Leuko ACMG Specifications GFAP V1.0. Collection method: curation. Allele origin: germline.
Comment: The NM_002055.5(GFAP):c.20C>A variant in GFAP that results in a substitution of Threonine by Asparagine at amino acid position 7 (p.Thr7Asn). The GrpMax filtering allele frequency in gnomAD v4.1.1 is 0.00002337 from the Admixed American genetic ancestry group (the lower threshold of the 95% CI of 4/1591800 alleles), which is higher than the ClinGen Leukodystrophy and Leukoencephalopathy VCEP threshold (>0.00001) for BS1, it therefore meets this criterion (BS1). This variant has not been reported in any probands/families meeting phenotypic criteria for Alexander disease. There is no conflicting evidence for this variant. In summary, this variant meets the criteria to be classified as likely benign for Alexander disease based on the ACMG/AMP criteria applied, as specified by the ClinGen Leukodystrophy and Leukoencephalopathy Expert Panel Specifications to the ACMG/AMP Variant Interpretation Guidelines for GFAP Version 1.0.0): BS1.

Labcorp Genetics (formerly Invitae), Labcorp
Classification: Uncertain significance. Last evaluated: 2025-10-18. Review status: criteria provided, single submitter. Criteria: Invitae Variant Classification Sherloc (09022015). Collection method: clinical testing. Allele origin: germline. Not counted in ClinVar's aggregate classification.
Comment: This sequence change replaces threonine, which is neutral and polar, with asparagine, which is neutral and polar, at codon 7 of the GFAP protein (p.Thr7Asn). The frequency data for this variant in the population databases is considered unreliable, as metrics indicate poor data quality at this position in the gnomAD database. This variant has not been reported in the literature in individuals affected with GFAP-related conditions. ClinVar contains an entry for this variant (Variation ID: 1971438). Invitae Evidence Modeling of protein sequence and biophysical properties (such as structural, functional, and spatial information, amino acid conservation, physicochemical variation, residue mobility, and thermodynamic stability) indicates that this missense variant is not expected to disrupt GFAP protein function with a negative predictive value of 95%. In summary, the available evidence is currently insufficient to determine the role of this variant in disease. Therefore, it has been classified as a Variant of Uncertain Significance.

NM_002055.5(GFAP):c.20C>A (p.Thr7Asn)

Gene: GFAP (glial fibrillary acidic protein; minus strand). Cytogenetic location: 17q21.31.
Variant type: single nucleotide variant.
Coding change: c.20C>A on transcript NM_002055.5 (MANE Select); coding-DNA position 20, C replaced by A.
Protein change: p.Thr7Asn; replaces threonine 7 with asparagine.
Molecular consequence: missense variant.
Genome position (GRCh38, 1-based): chr17:44,915,467, G>T on the plus strand (C>A on the coding strand, the complement: GFAP is on the minus strand). VCF-style: chr17-44915467-G-T. GRCh37 (hg19) VCF-style: chr17-42992835-G-T.
Other names: NM_002055.5(GFAP):c.20C>A; p.Thr7Asn; c.20C>A, p.Thr7Asn (NM_001131019.3, NM_001242376.3, NM_001363846.2); short protein forms T7N.
Identifiers: ClinVar variation 1971438 (VCV001971438.6), dbSNP rs748191931, ClinGen allele CA8609133.